The following is an entry in ClinVar:

ClinVar aggregate classification (germline): Likely benign (1 of 4 stars; one submission).

Allele frequency attached by ClinVar (database versions not stated): gnomAD 0.00007; ExAC 0.00008; gnomAD exomes 0.00010; TOPMed 0.00020.
gnomAD v4.1: 171 of 1,613,562 alleles (0.011%); highest among the groups gnomAD compares: Middle Eastern, 0.016%; no homozygotes.

Submission:

CeGaT Center for Human Genetics Tuebingen
Classification: Likely benign. Last evaluated: 2023-09-01. Review status: criteria provided, single submitter. Criteria: CeGaT Center For Human Genetics Tuebingen Variant Classification Criteria Version 2. Collection method: clinical testing. Allele origin: germline. Affected: yes. Observed: 1 variant allele.
Comment: EXOC2: BP4, BP7

NM_018303.6(EXOC2):c.33C>T (p.Thr11=)

Gene: EXOC2 (exocyst complex component 2; minus strand). Cytogenetic location: 6p25.3.
Variant type: single nucleotide variant.
Coding change: c.33C>T on transcript NM_018303.6 (MANE Select); coding-DNA position 33, C replaced by T.
Protein change: p.Thr11=; no amino-acid change (threonine 11 retained).
Molecular consequence: synonymous variant. On other transcripts: non-coding transcript variant (1).
Genome position (GRCh38, 1-based): chr6:637,786, G>A on the plus strand (C>T on the coding strand, the complement: EXOC2 is on the minus strand). VCF-style: chr6-637786-G-A. GRCh37 (hg19) VCF-style: chr6-637786-G-A.
Identifiers: ClinVar variation 2656169 (VCV002656169.24), dbSNP rs201586583, ClinGen allele CA3613963.